The following is an entry in ClinVar:

NM_001377334.1(PIK3C2B):c.3049-4C>G

Gene: PIK3C2B (phosphatidylinositol-4-phosphate 3-kinase catalytic subunit type 2 beta; minus strand). Cytogenetic location: 1q32.1.
Variant type: single nucleotide variant.
Coding change: c.3049-4C>G on transcript NM_001377334.1 (MANE Select); 4 bases into the intron before coding-DNA position 3049, C replaced by G.
Molecular consequence: intron variant.
Genome position (GRCh38, 1-based): chr1:204,442,637, G>C on the plus strand (C>G on the coding strand, the complement: PIK3C2B is on the minus strand). VCF-style: chr1-204442637-G-C. GRCh37 (hg19) VCF-style: chr1-204411765-G-C.
Other names: c.2965-4C>G (NM_001377335.1); c.3049-4C>G (NM_002646.4).
Identifiers: ClinVar variation 3047948 (VCV003047948.2), dbSNP rs565020398, ClinGen allele CA1347513.
Genomic context (GRCh38, chr1:204,442,637, plus strand): 5'-CGAGCCATTGAGGGCAAAGAACTGCTTCACCTCCTCCAGGCCCGTGCGGAGGATTCCCTG[G>C]AAAGAAGGGGAGGAGTACAGCAGGGGTGAAATGGAGGGTCCATACTGAGAACCAGACCTC-3'

ClinVar aggregate classification (germline): Likely benign (0 of 4 stars; one submission).

Conditions:
PIK3C2B-related disorder. Also called: PIK3C2B-related condition.

Allele frequency attached by ClinVar (database versions not stated): gnomAD exomes below 0.00001; gnomAD 0.00004; TOPMed 0.00004; 1000 Genomes Project 30x 0.00016; 1000 Genomes Project 0.00020.
gnomAD v4.1: 9 of 1,538,100 alleles (0.00059%); highest among the groups gnomAD compares: African/African-American, 0.011%; no homozygotes.

Submission:

PreventionGenetics, part of Exact Sciences
Classification: Likely benign for PIK3C2B-related condition. Last evaluated: 2019-03-29. Review status: no assertion criteria provided. Collection method: clinical testing. Allele origin: germline.
Comment: This variant is classified as likely benign based on ACMG/AMP sequence variant interpretation guidelines (Richards et al. 2015 PMID: 25741868, with internal and published modifications).